The following is an entry in ClinVar:

NC_000023.11:g.(?_31260955)_(31261016_?)del

Gene: DMD (dystrophin; minus strand). Cytogenetic location: Xp21.2.
Variant type: Deletion.
Identifiers: ClinVar variation 417500 (VCV000417500.1).

ClinVar aggregate classification (germline): Pathogenic (1 of 4 stars; one submission).

Conditions:
Duchenne muscular dystrophy (DMD). Also called: MUSCULAR DYSTROPHY, PSEUDOHYPERTROPHIC PROGRESSIVE, DUCHENNE TYPE; Duchenne Muscular Dystrophy (DMD). Identifiers: Orphanet 98896, MedGen C0013264, MONDO:0010679, OMIM 310200.

Submission:

Labcorp Genetics (formerly Invitae), Labcorp
Classification: Pathogenic for Duchenne muscular dystrophy. Last evaluated: 2016-11-12. Review status: criteria provided, single submitter. Criteria: Invitae Variant Classification Sherloc (09022015). Collection method: clinical testing. Allele origin: germline.
Comment: This variant is a gross deletion of the genomic region encompassing exon 63 of the DMD gene. This out-of-frame deletion creates a premature translational stop signal and is expected to result in an absent or disrupted protein product. Loss-of-function variants in DMD are known to be pathogenic. A similar deletion has been reported in the literature in individuals affected with Duchenne muscular dystrophy (PMID: 19937601, 23695957). For these reasons, this variant has been classified as Pathogenic.